The following is an entry in ClinVar:

NM_000540.3(RYR1):c.7243C>T (p.Arg2415Trp)

Gene: RYR1 (ryanodine receptor 1; plus strand). Cytogenetic location: 19q13.2.
Variant type: single nucleotide variant.
Coding change: c.7243C>T on transcript NM_000540.3 (MANE Select); coding-DNA position 7243, C replaced by T.
Protein change: p.Arg2415Trp; replaces arginine 2415 with tryptophan.
Molecular consequence: missense variant.
Genome position (GRCh38, 1-based): chr19:38,499,936, C>T. VCF-style: chr19-38499936-C-T. GRCh37 (hg19) VCF-style: chr19-38990576-C-T.
Other names: c.7243C>T, p.Arg2415Trp (NM_001042723.2); c.7243C>T (NM_000540.2); short protein forms R2415W.
Identifiers: ClinVar variation 1002107 (VCV001002107.9), dbSNP rs368013861, ClinGen allele CA069339.

ClinVar aggregate classification (germline): Uncertain significance. Review status: criteria provided, multiple submitters, no conflicts (2 of 4 stars). 3 submissions from 3 submitters: Uncertain significance (3). Last evaluated 2023-02-23.

Conditions:
RYR1-related disorder. Also called: RYR1-related disorders; RYR1-related condition. Identifiers: MedGen CN239331.

Allele frequency attached by ClinVar (database versions not stated): TOPMed 0.00001; ESP Exome Variant Server 0.00008.
gnomAD v4.1: 10 of 1,614,032 alleles (0.00062%); highest among the groups gnomAD compares: African/African-American, 0.0013%; no homozygotes.

Submissions (3):

Blueprint Genetics
Classification: Uncertain significance. Last evaluated: 2023-02-23. Review status: criteria provided, single submitter. Criteria: ACMG Guidelines, 2015. Collection method: clinical testing. Allele origin: germline.

Labcorp Genetics (formerly Invitae), Labcorp
Classification: Uncertain significance for RYR1-related disorder. Last evaluated: 2022-02-08. Review status: criteria provided, single submitter. Criteria: Invitae Variant Classification Sherloc (09022015). Collection method: clinical testing. Allele origin: germline.
Comment: This sequence change replaces arginine, which is basic and polar, with tryptophan, which is neutral and slightly polar, at codon 2415 of the RYR1 protein (p.Arg2415Trp). This variant is present in population databases (rs368013861, gnomAD 0.002%). This variant has not been reported in the literature in individuals affected with RYR1-related conditions. ClinVar contains an entry for this variant (Variation ID: 1002107). Advanced modeling of protein sequence and biophysical properties (such as structural, functional, and spatial information, amino acid conservation, physicochemical variation, residue mobility, and thermodynamic stability) performed at Invitae indicates that this missense variant is expected to disrupt RYR1 protein function. In summary, the available evidence is currently insufficient to determine the role of this variant in disease. Therefore, it has been classified as a Variant of Uncertain Significance.

Revvity Omics, Revvity
Classification: Uncertain significance. Last evaluated: 2020-04-05. Review status: criteria provided, single submitter. Criteria: ACMG Guidelines, 2015. Collection method: clinical testing. Allele origin: germline.